The following is an entry in ClinVar:

NM_000545.8(HNF1A):c.1766dup (p.Val590fs)

Gene: HNF1A (HNF1 homeobox A; plus strand). Cytogenetic location: 12q24.31.
Variant type: Duplication.
Coding change: c.1766dup on transcript NM_000545.8 (MANE Select); coding-DNA position 1766, one base duplicated (C; older notation c.1766dupC).
Protein change: p.Val590fs; shifts the reading frame from valine 590.
Molecular consequence: frameshift variant.
Genome position (GRCh38, 1-based): chr12:120,999,625, C duplicated. VCF-style (leftmost placement, unchanged base first): chr12-120999624-A-AC. GRCh37 (hg19) VCF-style: chr12-121437427-A-AC.
Other names: c.1574dup, p.Val526fs (NM_001406915.1); c.1787dup, p.Val597fs (NM_001306179.2); c.1766dupC (NM_000545.8); short protein forms V526fs, V590fs, V597fs.
Identifiers: ClinVar variation 2682389 (VCV002682389.1), dbSNP rs2500010501, ClinGen allele CA2697551555.

ClinVar aggregate classification (germline): Likely pathogenic (1 of 4 stars; one submission).

Conditions:
Maturity-onset diabetes of the young (MODY). Also called: Maturity onset diabetes mellitus in young. Identifiers: Orphanet 552, MedGen C0342276, MONDO:0018911, HP:0004904.

Submission:

Women's Health and Genetics/Laboratory Corporation of America, LabCorp
Classification: Likely pathogenic for Maturity-onset diabetes of the young. Last evaluated: 2023-11-08. Review status: criteria provided, single submitter. Criteria: LabCorp Variant Classification Summary - May 2015. Collection method: clinical testing. Allele origin: germline.
Comment: Variant summary: HNF1A c.1766dupC (p.Val590SerfsX59) causes a frameshift which results in an extension of the protein by 18 amino acids and disrupt the C-terminal transactivation domain of the translated HNF1A protein. Other downstream protein extension variants terminating in the vicinity or downstream of this variant (i.e., predicted extension by 17 or 20 amino acids), such as c.1822_1823delAG (p.Ser608ProfsX40), c.1840_1841delAA (p.Asn614ProfsX34) and c.1786delG (p.Val596CysfsX64), have been classified as pathogenic/likely pathogenic by the Clingen Monogenic Diabetes Variant Curation Expert Panel due to identification in individuals affected with features of HNF1A-MODY. At-least one downstream protein extension variant terminating at the same location as this variant (i.e., predicted extension by 18 amino acids), namely, c.1819dupC (p.Gln607ProfsX42) has been classified as uncertain significance by the same expert panel presumably due to lack of clinical evidence. However, each of these variants is also predicted to disrupt the C-terminal transactivation domain. Furthermore, at-least missense variant located in the impacted region, c.1781G>T (p.Ser594Ile) has been classified as pathogenic by the expert panel, supporting a critical relevance of this domain to HNF1A protein function. This variant was absent in 239064 control chromosomes. To our knowledge, no occurrence of c.1766dupC in individuals affected with Maturity Onset Diabetes Of The Young 3 and no experimental evidence demonstrating its impact on protein function have been reported. No submitters have cited clinical-significance assessments for this variant to ClinVar after 2014. Based on the evidence outlined above, the variant was classified as likely pathogenic.